The following is an entry in ClinVar:

NM_002334.4(LRP4):c.695G>A (p.Arg232His)

Gene: LRP4 (LDL receptor related protein 4; minus strand). Cytogenetic location: 11p11.2.
Variant type: single nucleotide variant.
Coding change: c.695G>A on transcript NM_002334.4 (MANE Select); coding-DNA position 695, G replaced by A.
Protein change: p.Arg232His; replaces arginine 232 with histidine.
Molecular consequence: missense variant.
Genome position (GRCh38, 1-based): chr11:46,898,659, C>T on the plus strand (G>A on the coding strand, the complement: LRP4 is on the minus strand). VCF-style: chr11-46898659-C-T. GRCh37 (hg19) VCF-style: chr11-46920210-C-T.
Other names: short protein forms R232H.
Identifiers: ClinVar variation 951794 (VCV000951794.8), dbSNP rs370407081, ClinGen allele CA5970400.
Genomic context (GRCh38, chr11:46,898,659, plus strand): 5'-CCATCGCAGCGCCAGCCTGCATTGATGCACAGGCCACTGTCACACATGAACTCCCCAGAG[C>T]GGCAGGGCTGGTGGGAGGCTAGGGAAACACAAGACTTCTGTCTCTAGCCAGTCTGTGCAG-3'
Protein context (NP_002325.2, residues 222-242): ESDCSSHQPC[Arg232His]SGEFMCDSGL

ClinVar aggregate classification (germline): Uncertain significance. Review status: criteria provided, multiple submitters, no conflicts (2 of 4 stars). 3 submissions from 3 submitters: Uncertain significance (3). Last evaluated 2025-07-31.

Conditions:
LRP4-related disorder. Also called: LRP4-related condition.
Cenani-Lenz syndactyly syndrome. Also called: SYNDACTYLY, TYPE VII; CENANI SYNDACTYLISM. Identifiers: Orphanet 3258, MedGen C1859309, MONDO:0008931, OMIM 212780.
Sclerosteosis 2 (SOST2). Identifiers: Orphanet 3152, MedGen C3280402, MONDO:0013679, OMIM 614305.
Congenital myasthenic syndrome 17. Identifiers: Orphanet 590, MedGen C4225377, MONDO:0014578, OMIM 616304.

Allele frequency attached by ClinVar (database versions not stated): ESP Exome Variant Server 0.00008; gnomAD 0.00015 and 0.00016; TOPMed 0.00019.
gnomAD v4.1: 61 of 1,614,016 alleles (0.0038%); highest among the groups gnomAD compares: African/African-American, 0.047%; no homozygotes.

Submissions (3):

PreventionGenetics, part of Exact Sciences
Classification: Uncertain significance for LRP4-related condition. Last evaluated: 2025-07-31. Review status: criteria provided, single submitter. Criteria: ACMG Guidelines, 2015. Collection method: clinical testing. Allele origin: germline.
Comment: The LRP4 c.695G>A variant is predicted to result in the amino acid substitution p.Arg232His. To our knowledge, this variant has not been reported in the literature. This variant is reported in 0.048% of alleles in individuals of African descent in gnomAD. At this time, the clinical significance of this variant is uncertain due to the absence of conclusive functional and genetic evidence.

Labcorp Genetics (formerly Invitae), Labcorp
Classification: Uncertain significance for Cenani-Lenz syndactyly syndrome; Sclerosteosis 2; Congenital myasthenic syndrome 17. Last evaluated: 2023-10-13. Review status: criteria provided, single submitter. Criteria: Invitae Variant Classification Sherloc (09022015). Collection method: clinical testing. Allele origin: germline.
Comment: This sequence change replaces arginine, which is basic and polar, with histidine, which is basic and polar, at codon 232 of the LRP4 protein (p.Arg232His). This variant is present in population databases (rs370407081, gnomAD 0.05%). This variant has not been reported in the literature in individuals affected with LRP4-related conditions. ClinVar contains an entry for this variant (Variation ID: 951794). An algorithm developed to predict the effect of missense changes on protein structure and function (PolyPhen-2) suggests that this variant is likely to be disruptive. In summary, the available evidence is currently insufficient to determine the role of this variant in disease. Therefore, it has been classified as a Variant of Uncertain Significance.

GeneDx
Classification: Uncertain significance. Last evaluated: 2019-11-10. Review status: criteria provided, single submitter. Criteria: GeneDx Variant Classification Process June 2021. Collection method: clinical testing. Allele origin: germline. Affected: yes.
Comment: In silico analysis, which includes protein predictors and evolutionary conservation, supports that this variant does not alter protein structure/function; Has not been previously published as pathogenic or benign to our knowledge